The following is an entry in ClinVar:

NM_020778.5(ALPK3):c.3837G>C (p.Lys1279Asn)

Gene: ALPK3 (alpha kinase 3; plus strand). Cytogenetic location: 15q25.3.
Variant type: single nucleotide variant.
Coding change: c.3837G>C on transcript NM_020778.5 (MANE Select); coding-DNA position 3837, G replaced by C.
Protein change: p.Lys1279Asn; replaces lysine 1279 with asparagine.
Molecular consequence: missense variant.
Genome position (GRCh38, 1-based): chr15:84,859,262, G>C. VCF-style: chr15-84859262-G-C. GRCh37 (hg19) VCF-style: chr15-85402493-G-C.
Other names: short protein forms K1279N.
Identifiers: ClinVar variation 4702333 (VCV004702333.1).

ClinVar aggregate classification (germline): Uncertain significance (1 of 4 stars; one submission).

gnomAD v4.1: 1 of 1,614,030 alleles (0.000062%); highest among the groups gnomAD compares: African/African-American, 0.0013%; no homozygotes.

Submission:

Labcorp Genetics (formerly Invitae), Labcorp
Classification: Uncertain significance. Last evaluated: 2025-08-31. Review status: criteria provided, single submitter. Criteria: Invitae Variant Classification Sherloc (09022015). Collection method: clinical testing. Allele origin: germline.
Comment: This sequence change replaces lysine, which is basic and polar, with asparagine, which is neutral and polar, at codon 1481 of the ALPK3 protein (p.Lys1481Asn). This variant is not present in population databases (gnomAD no frequency). This variant has not been reported in the literature in individuals affected with ALPK3-related conditions. Invitae Evidence Modeling of protein sequence and biophysical properties (such as structural, functional, and spatial information, amino acid conservation, physicochemical variation, residue mobility, and thermodynamic stability) indicates that this missense variant is expected to disrupt ALPK3 protein function with a positive predictive value of 80%. In summary, the available evidence is currently insufficient to determine the role of this variant in disease. Therefore, it has been classified as a Variant of Uncertain Significance.